The following is an entry in ClinVar:

NM_032122.5(DTNBP1):c.811+70G>A

Gene: DTNBP1 (dystrobrevin binding protein 1; minus strand). Cytogenetic location: 6p22.3.
Variant type: single nucleotide variant.
Coding change: c.811+70G>A on transcript NM_032122.5 (MANE Select); 70 bases into the intron after coding-DNA position 811, G replaced by A.
Molecular consequence: intron variant. On other transcripts: missense variant (1), non-coding transcript variant (1).
Genome position (GRCh38, 1-based): chr6:15,524,456, C>T on the plus strand (G>A on the coding strand, the complement: DTNBP1 is on the minus strand). VCF-style: chr6-15524456-C-T. GRCh37 (hg19) VCF-style: chr6-15524687-C-T.
Other names: c.568+70G>A (NM_001271667.2); c.881G>A, p.Arg294His (NM_183040.2); c.706+70G>A (NM_001271669.2); c.760+70G>A (NM_001271668.2); short protein forms R294H.
Identifiers: ClinVar variation 2691648 (VCV002691648.2), dbSNP rs141441189, ClinGen allele CA3643868.
Genomic context (GRCh38, chr6:15,524,456, plus strand): 5'-AGCCAGGAGCTGGCTGTGAGCTTGGGGGTTTATGCGTAAGTGACTGGCAGATGGTTCTCA[C>T]GTCTCACCTTTGGAGGGGAGTGGCATCGATACTGCCCTGGTTCAGCTAATGCAAGTTTGT-3'

ClinVar aggregate classification (germline): Benign/Likely benign. Review status: criteria provided, multiple submitters, no conflicts (2 of 4 stars). 2 submissions from 2 submitters: Benign (1); Likely benign (1). Last evaluated 2025-04-19.

Conditions:
DTNBP1-related disorder. Also called: DTNBP1-related condition.

Allele frequency attached by ClinVar (database versions not stated): ESP Exome Variant Server 0.00008.
gnomAD v4.1: 142 of 1,613,898 alleles (0.0088%); highest among the groups gnomAD compares: South Asian, 0.082%; 1 homozygote.

Submissions (2):

PreventionGenetics, part of Exact Sciences
Classification: Likely benign for DTNBP1-related condition. Last evaluated: 2025-04-19. Review status: criteria provided, single submitter. Criteria: ACMG Guidelines, 2015. Collection method: clinical testing. Allele origin: germline.
Comment: This variant is classified as likely benign based on ACMG/AMP sequence variant interpretation guidelines (Richards et al. 2015 PMID: 25741868, with internal and published modifications).

Women's Health and Genetics/Laboratory Corporation of America, LabCorp
Classification: Benign. Last evaluated: 2023-12-12. Review status: criteria provided, single submitter. Criteria: LabCorp Variant Classification Summary - May 2015. Collection method: clinical testing. Allele origin: germline.
Comment: Variant summary: DTNBP1 c.811+70G>A is located at a position not widely known to affect splicing. Consensus agreement among computation tools predict no significant impact on normal splicing. However, these predictions have yet to be confirmed by functional studies. The variant allele was found at a frequency of 0.00017 in 251418 control chromosomes. The observed variant frequency is higher than the estimated maximal expected allele frequency for a pathogenic variant in DTNBP1 causing Hermansky-Pudlak Syndrome phenotype (0.00016), strongly suggesting that the variant is benign. To our knowledge, no occurrence of c.811+70G>A in individuals affected with Hermansky-Pudlak Syndrome and no experimental evidence demonstrating its impact on protein function have been reported. No submitters have cited clinical-significance assessments for this variant to ClinVar after 2014. Based on the evidence outlined above, the variant was classified as benign.